The following is an entry in ClinVar:

ClinVar aggregate classification (germline): Benign. Review status: criteria provided, multiple submitters, no conflicts (2 of 4 stars). 3 submissions from 3 submitters: Benign (2). 1 of the submissions does not count toward it. Last evaluated 2025-02-19.

Conditions:
PIKFYVE-related disorder. Also called: PIKFYVE-related condition.
Fleck corneal dystrophy (CFD). Also called: CORNEAL DYSTROPHY, FRANCOIS-NEETENS SPECKLED OR FLECKED. Identifiers: Orphanet 98970, MedGen C1562113, MONDO:0007376, OMIM 121850.

Allele frequency attached by ClinVar (database versions not stated): ESP Exome Variant Server 0.00023; TOPMed 0.00150; 1000 Genomes Project 30x 0.00172; 1000 Genomes Project 0.00200.
gnomAD v4.1: 741 of 1,613,516 alleles (0.046%); highest among the groups gnomAD compares: East Asian, 1.4%; 2 homozygotes.

Submissions (3):

Labcorp Genetics (formerly Invitae), Labcorp
Classification: Benign. Last evaluated: 2025-02-19. Review status: criteria provided, single submitter. Criteria: Invitae Variant Classification Sherloc (09022015). Collection method: clinical testing. Allele origin: germline.

Illumina Laboratory Services, Illumina
Classification: Benign for Fleck corneal dystrophy. Last evaluated: 2018-01-12. Review status: criteria provided, single submitter. Criteria: ICSL Variant Classification Criteria 13 December 2019. Collection method: clinical testing. Allele origin: germline.
Comment: This variant was observed in the ICSL laboratory as part of a predisposition screen in an ostensibly healthy population. It had not been previously curated by ICSL or reported in the Human Gene Mutation Database (HGMD: prior to June 1st, 2018), and was therefore a candidate for classification through an automated scoring system. Utilizing variant allele frequency, disease prevalence and penetrance estimates, and inheritance mode, an automated score was calculated to assess if this variant is too frequent to cause the disease. Based on the score and internal cut-off values, a variant classified as benign is not then subjected to further curation. The score for this variant resulted in a classification of benign for this disease.

PreventionGenetics, part of Exact Sciences
Classification: Benign for PIKFYVE-related condition. Last evaluated: 2019-06-26. Review status: no assertion criteria provided. Collection method: clinical testing. Allele origin: germline. Not counted in ClinVar's aggregate classification.
Comment: This variant is classified as benign based on ACMG/AMP sequence variant interpretation guidelines (Richards et al. 2015 PMID: 25741868, with internal and published modifications).

NM_015040.4(PIKFYVE):c.5727G>T (p.Ala1909=)

Gene: PIKFYVE (phosphoinositide kinase, FYVE-type zinc finger containing; plus strand). Cytogenetic location: 2q34.
Variant type: single nucleotide variant.
Coding change: c.5727G>T on transcript NM_015040.4 (MANE Select); coding-DNA position 5727, G replaced by T.
Protein change: p.Ala1909=; no amino-acid change (alanine 1909 retained).
Molecular consequence: synonymous variant.
Genome position (GRCh38, 1-based): chr2:208,352,665, G>T. VCF-style: chr2-208352665-G-T. GRCh37 (hg19) VCF-style: chr2-209217389-G-T.
Identifiers: ClinVar variation 333939 (VCV000333939.15), dbSNP rs147789704, ClinGen allele CA2080728.